The following is an entry in ClinVar:

ClinVar aggregate classification (germline): Benign (0 of 4 stars; one submission).

Conditions:
MYOM2-related disorder. Also called: MYOM2-related condition.

Allele frequency attached by ClinVar (database versions not stated): 1000 Genomes Project 0.00859; 1000 Genomes Project 30x 0.00890; ESP Exome Variant Server 0.01745.
gnomAD v4.1: 34,504 of 1,607,738 alleles (2.1%); highest among the groups gnomAD compares: Non-Finnish European, 2.4%; 434 homozygotes.

Submission:

PreventionGenetics, part of Exact Sciences
Classification: Benign for MYOM2-related condition. Last evaluated: 2019-05-30. Review status: no assertion criteria provided. Collection method: clinical testing. Allele origin: germline.
Comment: This variant is classified as benign based on ACMG/AMP sequence variant interpretation guidelines (Richards et al. 2015 PMID: 25741868, with internal and published modifications).

NM_003970.4(MYOM2):c.98C>A (p.Ala33Glu)

Gene: MYOM2 (myomesin 2; plus strand). Cytogenetic location: 8p23.3.
Variant type: single nucleotide variant.
Coding change: c.98C>A on transcript NM_003970.4 (MANE Select); coding-DNA position 98, C replaced by A.
Protein change: p.Ala33Glu; replaces alanine 33 with glutamic acid.
Molecular consequence: missense variant.
Genome position (GRCh38, 1-based): chr8:2,050,864, C>A. VCF-style: chr8-2050864-C-A. GRCh37 (hg19) VCF-style: chr8-1998978-C-A.
Other names: short protein forms A33E.
Identifiers: ClinVar variation 3060228 (VCV003060228.2), dbSNP rs35578989, ClinGen allele CA170439429.